The following is an entry in ClinVar:

ClinVar aggregate classification (germline): Uncertain significance. Review status: criteria provided, multiple submitters, no conflicts (2 of 4 stars). 2 submissions from 2 submitters: Uncertain significance (2). Last evaluated 2025-07-22.

Conditions:
Hereditary cancer-predisposing syndrome. Also called: Hereditary Cancer Syndrome; Neoplastic Syndromes, Hereditary; Hereditary neoplastic syndrome; Tumor predisposition. Identifiers: Orphanet 140162, MedGen C0027672, MeSH D009386, MONDO:0015356.
Familial cancer of breast. Also called: Hereditary breast cancer; hereditary breast carcinoma; BREAST CANCER, FAMILIAL. Identifiers: Orphanet 227535, MedGen C0346153, MONDO:0016419, OMIM 114480. Disease mechanism: loss of function.
Fanconi anemia complementation group J. Also called: BRIP1-Related Fanconi Anemia. Identifiers: Orphanet 84, MedGen C1836860, MONDO:0012187, OMIM 609054.

Allele frequency attached by ClinVar (database versions not stated): gnomAD exomes 0.00001.
gnomAD v4.1: 3 of 1,613,576 alleles (0.00019%); highest among the groups gnomAD compares: Non-Finnish European, 0.00025%; no homozygotes.

Submissions (2):

Labcorp Genetics (formerly Invitae), Labcorp
Classification: Uncertain significance for Familial cancer of breast; Fanconi anemia complementation group J. Last evaluated: 2025-07-22. Review status: criteria provided, single submitter. Criteria: Invitae Variant Classification Sherloc (09022015). Collection method: clinical testing. Allele origin: germline.
Comment: This sequence change replaces serine, which is neutral and polar, with asparagine, which is neutral and polar, at codon 409 of the BRIP1 protein (p.Ser409Asn). This variant is not present in population databases (gnomAD no frequency). This variant has not been reported in the literature in individuals affected with BRIP1-related conditions. ClinVar contains an entry for this variant (Variation ID: 818643). Invitae Evidence Modeling of protein sequence and biophysical properties (such as structural, functional, and spatial information, amino acid conservation, physicochemical variation, residue mobility, and thermodynamic stability) indicates that this missense variant is not expected to disrupt BRIP1 protein function with a negative predictive value of 95%. In summary, the available evidence is currently insufficient to determine the role of this variant in disease. Therefore, it has been classified as a Variant of Uncertain Significance.

Ambry Genetics
Classification: Uncertain significance for Hereditary cancer-predisposing syndrome. Last evaluated: 2020-12-18. Review status: criteria provided, single submitter. Criteria: Ambry Variant Classification Scheme 2023. Collection method: clinical testing. Allele origin: germline.
Comment: The p.S409N variant (also known as c.1226G>A), located in coding exon 8 of the BRIP1 gene, results from a G to A substitution at nucleotide position 1226. The serine at codon 409 is replaced by asparagine, an amino acid with highly similar properties. This amino acid position is not well conserved in available vertebrate species. In addition, this alteration is predicted to be tolerated by in silico analysis. Since supporting evidence is limited at this time, the clinical significance of this alteration remains unclear.

NM_032043.3(BRIP1):c.1226G>A (p.Ser409Asn)

Gene: BRIP1 (BRCA1 interacting DNA helicase 1; minus strand). Cytogenetic location: 17q23.2.
Variant type: single nucleotide variant.
Coding change: c.1226G>A on transcript NM_032043.3 (MANE Select); coding-DNA position 1226, G replaced by A.
Protein change: p.Ser409Asn; replaces serine 409 with asparagine.
Molecular consequence: missense variant.
Genome position (GRCh38, 1-based): chr17:61,799,214, C>T on the plus strand (G>A on the coding strand, the complement: BRIP1 is on the minus strand). VCF-style: chr17-61799214-C-T. GRCh37 (hg19) VCF-style: chr17-59876575-C-T.
Other names: short protein forms S409N.
Identifiers: ClinVar variation 818643 (VCV000818643.15), dbSNP rs587782247, ClinGen allele CA400483652.